The following is an entry in ClinVar:

NM_001371623.1(TCOF1):c.1015_1016insG (p.Ser339fs)

Gene: TCOF1 (treacle ribosome biogenesis factor 1; plus strand). Cytogenetic location: 5q32.
Variant type: Insertion.
Coding change: c.1015_1016insG on transcript NM_001371623.1 (MANE Select); coding-DNA positions 1015 to 1016, G inserted.
Protein change: p.Ser339fs; shifts the reading frame from serine 339.
Molecular consequence: frameshift variant.
Genome position: GRCh38 VCF-style: chr5-150374318-T-TG. GRCh37 (hg19) VCF-style: chr5-149753881-T-TG.
Other names: c.784_785insG, p.Ser262fs (NM_000356.4, NM_001135245.2); c.1015_1016insG, p.Ser339fs (NM_001008657.3, NM_001135243.2, NM_001135244.2 and 1 more transcripts); short protein forms S262fs, S339fs.
Identifiers: ClinVar variation 3646265 (VCV003646265.2).

ClinVar aggregate classification (germline): Pathogenic (1 of 4 stars; one submission).

Conditions:
Treacher Collins syndrome 1 (TCS1). Also called: TCOF1-Related Treacher Collins Syndrome. Identifiers: Orphanet 861, MedGen CN315775, MONDO:0007944, OMIM 154500.

Submission:

Labcorp Genetics (formerly Invitae), Labcorp
Classification: Pathogenic for Treacher Collins syndrome 1. Last evaluated: 2024-03-16. Review status: criteria provided, single submitter. Criteria: Invitae Variant Classification Sherloc (09022015). Collection method: clinical testing. Allele origin: germline.
Comment: This sequence change creates a premature translational stop signal (p.Ser339Cysfs*10) in the TCOF1 gene. It is expected to result in an absent or disrupted protein product. Loss-of-function variants in TCOF1 are known to be pathogenic (PMID: 8894686, 22317976). This variant is not present in population databases (gnomAD no frequency). This variant has not been reported in the literature in individuals affected with TCOF1-related conditions. For these reasons, this variant has been classified as Pathogenic.

Literature cited by the submitters: PubMed 8894686; PubMed 22317976.